The following is an entry in ClinVar:

ClinVar aggregate classification (germline): Pathogenic (1 of 4 stars; one submission).

Conditions:
Mendelian susceptibility to mycobacterial diseases due to complete IL12RB1 deficiency. Also called: IL12RB1 DEFICIENCY; Immunodeficiency 30. Identifiers: Orphanet 319552, MedGen C4013949, MONDO:0013955, OMIM 614891.

Allele frequency attached by ClinVar (database versions not stated): gnomAD exomes below 0.00001.

Submission:

Labcorp Genetics (formerly Invitae), Labcorp
Classification: Pathogenic for Mendelian susceptibility to mycobacterial diseases due to complete IL12RB1 deficiency. Last evaluated: 2025-05-05. Review status: criteria provided, single submitter. Criteria: Invitae Variant Classification Sherloc (09022015). Collection method: clinical testing. Allele origin: germline.
Comment: This sequence change creates a premature translational stop signal (p.Tyr134Alafs*6) in the IL12RB1 gene. It is expected to result in an absent or disrupted protein product. Loss-of-function variants in IL12RB1 are known to be pathogenic (PMID: 9603733, 12591909). This variant is not present in population databases (gnomAD no frequency). This variant has not been reported in the literature in individuals affected with IL12RB1-related conditions. ClinVar contains an entry for this variant (Variation ID: 2094134). For these reasons, this variant has been classified as Pathogenic.

Literature cited by the submitters: PubMed 9603733; PubMed 12591909.

NM_005535.3(IL12RB1):c.395_398dup (p.Tyr134fs)

Gene: IL12RB1 (interleukin 12 receptor subunit beta 1; minus strand). Cytogenetic location: 19p13.11.
Variant type: Duplication.
Coding change: c.395_398dup on transcript NM_005535.3 (MANE Select); coding-DNA positions 395 to 398, 4 bases duplicated (AGCT; older notation c.395_398dupAGCT).
Protein change: p.Tyr134fs; shifts the reading frame from tyrosine 134.
Molecular consequence: frameshift variant.
Genome position (GRCh38, 1-based): chr19:18,080,843-18,080,846, AGCT duplicated on the plus strand (AGCT on the coding strand, the reverse complement: IL12RB1 is on the minus strand). VCF-style (leftmost placement, unchanged base first): chr19-18080842-G-GAGCT. GRCh37 (hg19) VCF-style: chr19-18191652-G-GAGCT.
Other names: c.395_398dup, p.Tyr134fs (NM_001290023.2, NM_153701.3); c.515_518dup, p.Tyr174Alafs (NM_001290024.2); short protein forms Y174fs, Y134fs.
Identifiers: ClinVar variation 2094134 (VCV002094134.4), dbSNP rs2515355393, ClinGen allele CA2580096724.